The following is an entry in ClinVar:

ClinVar aggregate classification (germline): Uncertain significance. Review status: criteria provided, multiple submitters, no conflicts (2 of 4 stars). 6 submissions from 6 submitters: Uncertain significance (6). Last evaluated 2024-04-26.

Conditions:
DK1-congenital disorder of glycosylation. Also called: DOLK-congenital disorder of glycosylation; Carbohydrate deficient glycoprotein syndrome type 1m; CONGENITAL DISORDER OF GLYCOSYLATION, TYPE Im; CDG Im; DK1 DEFICIENCY; DOLICHOL KINASE DEFICIENCY. Identifiers: Orphanet 91131, MedGen C1835849, MONDO:0012556, OMIM 610768.
Cardiovascular phenotype. Identifiers: MedGen CN230736.

Submissions (6):

Ambry Genetics
Classification: Uncertain significance for Cardiovascular phenotype. Last evaluated: 2024-04-26. Review status: criteria provided, single submitter. Criteria: Ambry Variant Classification Scheme 2023. Collection method: clinical testing. Allele origin: germline.

Women's Health and Genetics/Laboratory Corporation of America, LabCorp
Classification: Uncertain significance. Last evaluated: 2023-11-20. Review status: criteria provided, single submitter. Criteria: LabCorp Variant Classification Summary - May 2015. Collection method: clinical testing. Allele origin: germline.

Labcorp Genetics (formerly Invitae), Labcorp
Classification: Uncertain significance for DK1-congenital disorder of glycosylation. Last evaluated: 2022-10-17. Review status: criteria provided, single submitter. Criteria: Invitae Variant Classification Sherloc (09022015). Collection method: clinical testing. Allele origin: germline.
Comment: This sequence change replaces arginine, which is basic and polar, with glycine, which is neutral and non-polar, at codon 109 of the DOLK protein (p.Arg109Gly). This variant is present in population databases (no rsID available, gnomAD 0.002%). This variant has not been reported in the literature in individuals affected with DOLK-related conditions. ClinVar contains an entry for this variant (Variation ID: 1319776). Advanced modeling of protein sequence and biophysical properties (such as structural, functional, and spatial information, amino acid conservation, physicochemical variation, residue mobility, and thermodynamic stability) has been performed at Invitae for this missense variant, however the output from this modeling did not meet the statistical confidence thresholds required to predict the impact of this variant on DOLK protein function. In summary, the available evidence is currently insufficient to determine the role of this variant in disease. Therefore, it has been classified as a Variant of Uncertain Significance.

Institute for Clinical Genetics, University Hospital TU Dresden, University Hospital TU Dresden
Classification: Uncertain significance. Last evaluated: 2021-11-03. Review status: criteria provided, single submitter. Criteria: ACMG Guidelines, 2015. Collection method: clinical testing. Allele origin: germline.

Fulgent Genetics
Classification: Uncertain significance for DK1-congenital disorder of glycosylation. Last evaluated: 2021-09-08. Review status: criteria provided, single submitter. Criteria: ACMG Guidelines, 2015. Collection method: clinical testing. Allele origin: unknown.

Blueprint Genetics
Classification: Uncertain significance. Last evaluated: 2020-08-11. Review status: criteria provided, single submitter. Criteria: ACMG Guidelines, 2015. Collection method: clinical testing. Allele origin: germline.

NM_014908.4(DOLK):c.325C>G (p.Arg109Gly)

Gene: DOLK (dolichol kinase; minus strand). Cytogenetic location: 9q34.11.
Variant type: single nucleotide variant.
Coding change: c.325C>G on transcript NM_014908.4 (MANE Select); coding-DNA position 325, C replaced by G.
Protein change: p.Arg109Gly; replaces arginine 109 with glycine.
Molecular consequence: missense variant.
Genome position (GRCh38, 1-based): chr9:128,946,979, G>C on the plus strand (C>G on the coding strand, the complement: DOLK is on the minus strand). VCF-style: chr9-128946979-G-C. GRCh37 (hg19) VCF-style: chr9-131709258-G-C.
Other names: short protein forms R109G.
Identifiers: ClinVar variation 1319776 (VCV001319776.11), dbSNP rs755188614, ClinGen allele CA375126589.
Genomic context (GRCh38, chr9:128,946,979, plus strand): 5'-CCAACACTGATGAGAAGAGGGCCACTGCCATGCCAGTGGCTGCCACCACAATGCCAAAAC[G>C]CTCAAAGAACGGGTTCCCAGCAGTCTGGCACCGCTCCTTCATGACTAGTCCAAGCAAAGG-3'
Protein context (NP_055723.1, residues 99-119): CQTAGNPFFE[Arg109Gly]FGIVVAATGM